The following is an entry in ClinVar:

ClinVar aggregate classification (germline): Benign/Likely benign. Review status: criteria provided, multiple submitters, no conflicts (2 of 4 stars). 3 submissions from 3 submitters: Benign (1); Likely benign (2). Last evaluated 2026-08-09.

Conditions:
Juvenile polyposis syndrome (JPS). Identifiers: Orphanet 2929, MedGen C0345893, MONDO:0017380, OMIM 174900.
Juvenile polyposis/hereditary hemorrhagic telangiectasia syndrome (JPHT). Also called: Juvenile Polyposis Syndrome / Hereditary Hemorrhagic Telangiectasia (JPS/HHT); JP/HHT SYNDROME; JUVENILE POLYPOSIS WITH HEREDITARY HEMORRHAGIC TELANGIECTASIA; POLYPOSIS, GENERALIZED JUVENILE, WITH PULMONARY ARTERIOVENOUS MALFORMATION; TELANGIECTASIA, HEREDITARY HEMORRHAGIC, WITH JUVENILE POLYPOSIS COLI. Identifiers: Orphanet 2929, MedGen C1832942, MONDO:0008278, OMIM 175050.
Familial thoracic aortic aneurysm and aortic dissection (TAAD). Also called: Thoracic aortic aneurysms and dissections. Identifiers: Orphanet 91387, MedGen C4707243, MONDO:0019625.
Hereditary cancer-predisposing syndrome. Also called: Hereditary Cancer Syndrome; Tumor predisposition; Neoplastic Syndromes, Hereditary; Hereditary neoplastic syndrome. Identifiers: Orphanet 140162, MedGen C0027672, MeSH D009386, MONDO:0015356.

Allele frequency attached by ClinVar (database versions not stated): TOPMed 0.00001.

Submissions (3):

Ambry Genetics
Classification: Likely benign for Hereditary cancer-predisposing syndrome; Familial thoracic aortic aneurysm and aortic dissection. Last evaluated: 2026-08-09. Review status: criteria provided, single submitter. Criteria: Ambry Variant Classification Scheme 2023. Collection method: clinical testing. Allele origin: germline.

Myriad Genetics, Inc.
Classification: Benign for Juvenile polyposis/hereditary hemorrhagic telangiectasia syndrome. Last evaluated: 2025-03-18. Review status: criteria provided, single submitter. Criteria: Myriad Autosomal Dominant, Autosomal Recessive and X-Linked Classification Criteria (2023). Collection method: clinical testing. Allele origin: unknown.
Comment: This variant is considered benign. This variant is a silent/synonymous amino acid change and it is not expected to impact splicing.

Labcorp Genetics (formerly Invitae), Labcorp
Classification: Likely benign for Juvenile polyposis syndrome. Last evaluated: 2021-05-09. Review status: criteria provided, single submitter. Criteria: Invitae Variant Classification Sherloc (09022015). Collection method: clinical testing. Allele origin: germline.

NM_005359.6(SMAD4):c.24T>C (p.Asn8=)

Gene: SMAD4 (SMAD family member 4; plus strand). Cytogenetic location: 18q21.2.
Variant type: single nucleotide variant.
Coding change: c.24T>C on transcript NM_005359.6 (MANE Select); coding-DNA position 24, T replaced by C.
Protein change: p.Asn8=; no amino-acid change (asparagine 8 retained).
Molecular consequence: synonymous variant.
Genome position (GRCh38, 1-based): chr18:51,047,070, T>C. VCF-style: chr18-51047070-T-C. GRCh37 (hg19) VCF-style: chr18-48573440-T-C.
Other names: c.24T>C (NM_005359.5).
Identifiers: ClinVar variation 1543326 (VCV001543326.10), dbSNP rs1909566006, ClinGen allele CA503873383.